The following is an entry in ClinVar:

ClinVar aggregate classification (germline): Likely benign (0 of 4 stars; one submission).

Conditions:
CEP290-related disorder. Also called: CEP290-related disorders; CEP290-related condition. Identifiers: MedGen CN239314.

Allele frequency attached by ClinVar (database versions not stated): gnomAD exomes below 0.00001; TOPMed below 0.00001.
gnomAD v4.1: 1 of 1,612,458 alleles (0.000062%); highest among the groups gnomAD compares: Admixed American, 0.0017%; no homozygotes.

Submission:

PreventionGenetics, part of Exact Sciences
Classification: Likely benign for CEP290-related condition. Last evaluated: 2023-11-21. Review status: no assertion criteria provided. Collection method: clinical testing. Allele origin: germline.
Comment: This variant is classified as likely benign based on ACMG/AMP sequence variant interpretation guidelines (Richards et al. 2015 PMID: 25741868, with internal and published modifications).

NM_025114.4(CEP290):c.298-10T>C

Gene: CEP290 (centrosomal protein 290; minus strand). Cytogenetic location: 12q21.32.
Variant type: single nucleotide variant.
Coding change: c.298-10T>C on transcript NM_025114.4 (MANE Select); 10 bases into the intron before coding-DNA position 298, T replaced by C.
Molecular consequence: intron variant.
Genome position (GRCh38, 1-based): chr12:88,136,796, A>G on the plus strand (T>C on the coding strand, the complement: CEP290 is on the minus strand). VCF-style: chr12-88136796-A-G. GRCh37 (hg19) VCF-style: chr12-88530573-A-G.
Identifiers: ClinVar variation 3028979 (VCV003028979.2), dbSNP rs2040377052, ClinGen allele CA2052931645.